The following is an entry in ClinVar:

ClinVar aggregate classification (germline): Uncertain significance (1 of 4 stars; one submission).

Conditions:
Familial cold autoinflammatory syndrome 2 (FCAS2). Identifiers: Orphanet 247868, MedGen C2673198, MONDO:0012724, OMIM 611762.

Submission:

Labcorp Genetics (formerly Invitae), Labcorp
Classification: Uncertain significance for Familial cold autoinflammatory syndrome 2. Last evaluated: 2023-12-27. Review status: criteria provided, single submitter. Criteria: Invitae Variant Classification Sherloc (09022015). Collection method: clinical testing. Allele origin: germline.
Comment: This sequence change replaces leucine, which is neutral and non-polar, with histidine, which is basic and polar, at codon 247 of the NLRP12 protein (p.Leu247His). This variant is not present in population databases (gnomAD no frequency). This variant has not been reported in the literature in individuals affected with NLRP12-related conditions. ClinVar contains an entry for this variant (Variation ID: 1420373). Advanced modeling of protein sequence and biophysical properties (such as structural, functional, and spatial information, amino acid conservation, physicochemical variation, residue mobility, and thermodynamic stability) has been performed at Invitae for this missense variant, however the output from this modeling did not meet the statistical confidence thresholds required to predict the impact of this variant on NLRP12 protein function. In summary, the available evidence is currently insufficient to determine the role of this variant in disease. Therefore, it has been classified as a Variant of Uncertain Significance.

NM_144687.4(NLRP12):c.740T>A (p.Leu247His)

Gene: NLRP12 (NLR family pyrin domain containing 12; minus strand). Cytogenetic location: 19q13.42.
Variant type: single nucleotide variant.
Coding change: c.740T>A on transcript NM_144687.4 (MANE Select); coding-DNA position 740, T replaced by A.
Protein change: p.Leu247His; replaces leucine 247 with histidine.
Molecular consequence: missense variant.
Genome position (GRCh38, 1-based): chr19:53,810,919, A>T on the plus strand (T>A on the coding strand, the complement: NLRP12 is on the minus strand). VCF-style: chr19-53810919-A-T. GRCh37 (hg19) VCF-style: chr19-54314173-A-T.
Other names: c.740T>A, p.Leu247His (NM_001277126.2, NM_001277129.1); short protein forms L247H.
Identifiers: ClinVar variation 1420373 (VCV001420373.6), dbSNP rs2122678582, ClinGen allele CA407415915.